The following is an entry in ClinVar:

NM_001256789.3(CACNA1F):c.4157G>A (p.Arg1386Gln)

Gene: CACNA1F (calcium voltage-gated channel subunit alpha1 F; minus strand). Cytogenetic location: Xp11.23.
Variant type: single nucleotide variant.
Coding change: c.4157G>A on transcript NM_001256789.3 (MANE Select); coding-DNA position 4157, G replaced by A.
Protein change: p.Arg1386Gln; replaces arginine 1386 with glutamine.
Molecular consequence: missense variant.
Genome position (GRCh38, 1-based): chrX:49,211,425, C>T on the plus strand (G>A on the coding strand, the complement: CACNA1F is on the minus strand). VCF-style: chrX-49211425-C-T. GRCh37 (hg19) VCF-style: chrX-49067885-C-T.
Other names: c.3995G>A, p.Arg1332Gln (NM_001256790.3); c.4190G>A, p.Arg1397Gln (NM_005183.4); short protein forms R1386Q, R1332Q, R1397Q.
Identifiers: ClinVar variation 2090605 (VCV002090605.5), dbSNP rs1240850206, ClinGen allele CA412961693.

ClinVar aggregate classification (germline): Uncertain significance. Review status: criteria provided, multiple submitters, no conflicts (2 of 4 stars). 2 submissions from 2 submitters: Uncertain significance (2). Last evaluated 2022-08-09.

Allele frequency attached by ClinVar (database versions not stated): gnomAD exomes below 0.00001; TOPMed below 0.00001; gnomAD 0.00001.
gnomAD v4.1: 2 of 1,208,423 alleles (0.00017%); highest among the groups gnomAD compares: Non-Finnish European, 0.00011%; no homozygotes.

Submissions (2):

Labcorp Genetics (formerly Invitae), Labcorp
Classification: Uncertain significance. Last evaluated: 2022-08-09. Review status: criteria provided, single submitter. Criteria: Invitae Variant Classification Sherloc (09022015). Collection method: clinical testing. Allele origin: germline.
Comment: In summary, the available evidence is currently insufficient to determine the role of this variant in disease. Therefore, it has been classified as a Variant of Uncertain Significance. Algorithms developed to predict the effect of sequence changes on RNA splicing suggest that this variant may create or strengthen a splice site. Algorithms developed to predict the effect of missense changes on protein structure and function are either unavailable or do not agree on the potential impact of this missense change (SIFT: "Deleterious"; PolyPhen-2: "Benign"; Align-GVGD: "Class C35"). This variant has not been reported in the literature in individuals affected with CACNA1F-related conditions. This variant is not present in population databases (gnomAD no frequency). This sequence change replaces arginine, which is basic and polar, with glutamine, which is neutral and polar, at codon 1397 of the CACNA1F protein (p.Arg1397Gln).

Blueprint Genetics
Classification: Uncertain significance. Last evaluated: 2021-10-28. Review status: criteria provided, single submitter. Criteria: ACMG Guidelines, 2015. Collection method: clinical testing. Allele origin: germline.